The following is an entry in ClinVar:

NM_001256789.3(CACNA1F):c.1538G>A (p.Arg513Gln)

Gene: CACNA1F (calcium voltage-gated channel subunit alpha1 F; minus strand). Cytogenetic location: Xp11.23.
Variant type: single nucleotide variant.
Coding change: c.1538G>A on transcript NM_001256789.3 (MANE Select); coding-DNA position 1538, G replaced by A.
Protein change: p.Arg513Gln; replaces arginine 513 with glutamine.
Molecular consequence: missense variant.
Genome position (GRCh38, 1-based): chrX:49,226,022, C>T on the plus strand (G>A on the coding strand, the complement: CACNA1F is on the minus strand). VCF-style: chrX-49226022-C-T. GRCh37 (hg19) VCF-style: chrX-49082484-C-T.
Other names: c.1376G>A, p.Arg459Gln (NM_001256790.3); c.1571G>A, p.Arg524Gln (NM_005183.4); c.1571G>A (NM_005183.2); short protein forms R459Q, R513Q, R524Q.
Identifiers: ClinVar variation 955208 (VCV000955208.13), dbSNP rs782288797, ClinGen allele CA10410828.

ClinVar aggregate classification (germline): Uncertain significance. Review status: criteria provided, multiple submitters, no conflicts (2 of 4 stars). 4 submissions from 4 submitters: Uncertain significance (4). Last evaluated 2025-08-20.

Conditions:
CACNA1F-related disorder. Also called: CACNA1F-related condition.
Inborn genetic diseases. Identifiers: MedGen C0950123, MeSH D030342.

Allele frequency attached by ClinVar (database versions not stated): ExAC below 0.00001; gnomAD 0.00003 and 0.00004; TOPMed 0.00004; 1000 Genomes Project 0.00026; 1000 Genomes Project 30x 0.00042.

Submissions (4):

Ambry Genetics
Classification: Uncertain significance for Inborn genetic diseases. Last evaluated: 2025-08-20. Review status: criteria provided, single submitter. Criteria: Ambry Variant Classification Scheme 2023. Collection method: clinical testing. Allele origin: germline.

PreventionGenetics, part of Exact Sciences
Classification: Uncertain significance for CACNA1F-related condition. Last evaluated: 2025-07-21. Review status: criteria provided, single submitter. Criteria: ACMG Guidelines, 2015. Collection method: clinical testing. Allele origin: germline.
Comment: The CACNA1F c.1571G>A variant is predicted to result in the amino acid substitution p.Arg524Gln. To our knowledge, this variant has not been reported in the literature. This variant is reported in 0.0042% of alleles in individuals of Latino descent in gnomAD. At this time, the clinical significance of this variant is uncertain due to the absence of conclusive functional and genetic evidence.

Labcorp Genetics (formerly Invitae), Labcorp
Classification: Uncertain significance. Last evaluated: 2022-11-08. Review status: criteria provided, single submitter. Criteria: Invitae Variant Classification Sherloc (09022015). Collection method: clinical testing. Allele origin: germline.
Comment: This sequence change replaces arginine, which is basic and polar, with glutamine, which is neutral and polar, at codon 524 of the CACNA1F protein (p.Arg524Gln). The frequency data for this variant in the population databases is considered unreliable, as metrics indicate poor data quality at this position in the gnomAD database. This variant has not been reported in the literature in individuals affected with CACNA1F-related conditions. ClinVar contains an entry for this variant (Variation ID: 955208). Advanced modeling of protein sequence and biophysical properties (such as structural, functional, and spatial information, amino acid conservation, physicochemical variation, residue mobility, and thermodynamic stability) performed at Invitae indicates that this missense variant is not expected to disrupt CACNA1F protein function. In summary, the available evidence is currently insufficient to determine the role of this variant in disease. Therefore, it has been classified as a Variant of Uncertain Significance.

Blueprint Genetics
Classification: Uncertain significance. Last evaluated: 2021-12-16. Review status: criteria provided, single submitter. Criteria: ACMG Guidelines, 2015. Collection method: clinical testing. Allele origin: germline.